The following is an entry in ClinVar:

NM_133496.5(SLC30A7):c.490_491delinsAG (p.His164Ser)

Gene: SLC30A7 (solute carrier family 30 member 7; plus strand). Cytogenetic location: 1p21.2.
Variant type: Indel.
Coding change: c.490_491delinsAG on transcript NM_133496.5 (MANE Select); coding-DNA positions 490 to 491, CA replaced by AG.
Protein change: p.His164Ser; replaces histidine 164 with serine.
Molecular consequence: missense variant.
Genome position (GRCh38, 1-based): chr1:100,912,217-100,912,218, CA replaced by AG. VCF-style: chr1-100912217-CA-AG. GRCh37 (hg19) VCF-style: chr1-101377773-CA-AG.
Other names: c.490_491delinsAG, p.His164Ser (NM_001144884.2); short protein forms H164S.
Identifiers: ClinVar variation 375382 (VCV000375382.1), dbSNP rs1057519442, ClinGen allele CA16044212.

ClinVar aggregate classification (germline): Pathogenic (0 of 4 stars; one submission).

Conditions:
Joubert syndrome 1 (JBTS1). Also called: Cerebellooculorenal syndrome 1; CEREBELLOPARENCHYMAL DISORDER IV. Identifiers: MedGen C4551568, MONDO:0008944, OMIM 213300.

Submission:

Lupski Lab, Baylor-Hopkins CMG, Baylor College of Medicine
Classification: Pathogenic for Joubert syndrome 1. Review status: no assertion criteria provided. Collection method: research. Allele origin: de novo. Inheritance: Autosomal dominant inheritance. Affected: yes.